The following is an entry in ClinVar:

ClinVar aggregate classification (germline): Uncertain significance (1 of 4 stars; one submission).

Conditions:
Autosomal recessive severe congenital neutropenia due to CSF3R deficiency. Also called: Neutropenia, severe congenital, 7, autosomal recessive. Identifiers: Orphanet 420702, MedGen C4310764, MONDO:0014865, OMIM 617014.

Submission:

Labcorp Genetics (formerly Invitae), Labcorp
Classification: Uncertain significance for Autosomal recessive severe congenital neutropenia due to CSF3R deficiency. Last evaluated: 2025-04-08. Review status: criteria provided, single submitter. Criteria: Invitae Variant Classification Sherloc (09022015). Collection method: clinical testing. Allele origin: germline.
Comment: This sequence change falls in intron 16 of the CSF3R gene. It does not directly change the encoded amino acid sequence of the CSF3R protein. It affects a nucleotide within the consensus splice site. This variant is not present in population databases (gnomAD no frequency). This variant has not been reported in the literature in individuals affected with CSF3R-related conditions. ClinVar contains an entry for this variant (Variation ID: 2891845). Variants that disrupt the consensus splice site are a relatively common cause of aberrant splicing (PMID: 17576681, 9536098). Algorithms developed to predict the effect of sequence changes on RNA splicing suggest that this variant may disrupt the consensus splice site. In summary, the available evidence is currently insufficient to determine the role of this variant in disease. Therefore, it has been classified as a Variant of Uncertain Significance.

Literature cited by the submitters: PubMed 17576681; PubMed 9536098.

NM_000760.4(CSF3R):c.2040+4A>G

Gene: CSF3R (colony stimulating factor 3 receptor; minus strand). Cytogenetic location: 1p34.3.
Variant type: single nucleotide variant.
Coding change: c.2040+4A>G on transcript NM_000760.4 (MANE Select); 4 bases into the intron after coding-DNA position 2040, A replaced by G.
Molecular consequence: intron variant.
Genome position (GRCh38, 1-based): chr1:36,467,226, T>C on the plus strand (A>G on the coding strand, the complement: CSF3R is on the minus strand). VCF-style: chr1-36467226-T-C. GRCh37 (hg19) VCF-style: chr1-36932827-T-C.
Other names: c.2040+4A>G (NM_156039.3, NM_172313.3).
Identifiers: ClinVar variation 2891845 (VCV002891845.3), dbSNP rs2521729502, ClinGen allele CA2739272458.